The following continues an entry in ClinVar:

NM_000038.6(APC):c.4765C>G (p.Arg1589Gly)

Gene: APC. ClinVar aggregate classification (germline): Conflicting classifications of pathogenicity. Uncertain significance (11); Likely benign (7).

Submissions 12 to 19 of 19:

Myriad Genetics, Inc.
Classification: Likely benign for Familial adenomatous polyposis 1. Last evaluated: 2023-02-17. Review status: criteria provided, single submitter. Criteria: Myriad Autosomal Dominant, Autosomal Recessive and X-Linked Classification Criteria (2023). Collection method: clinical testing. Allele origin: unknown.
Comment: This variant is considered likely benign. This variant has been observed in conjunction with multiple pathogenic variants, reducing the likelihood this variant itself is pathogenic.

Clinical Genetics Laboratory, Skane University Hospital Lund
Classification: Uncertain significance. Last evaluated: 2022-05-27. Review status: criteria provided, single submitter. Criteria: ACMG Guidelines, 2015. Collection method: clinical testing. Allele origin: germline. Affected: yes.

Laboratory of Medical Genetics Unit, Bambino Gesù Children's Hospital
Classification: Uncertain significance for Diffuse midline glioma, H3 K27-altered. Last evaluated: 2022-05-16. Review status: criteria provided, single submitter. Criteria: ACMG Guidelines, 2015. Collection method: research. Allele origin: paternal. Affected: yes. Observed: 1 heterozygote.

Sema4
Classification: Uncertain significance for Hereditary cancer-predisposing syndrome. Last evaluated: 2021-12-05. Review status: criteria provided, single submitter. Criteria: Sema4 Curation Guidelines. Collection method: curation. Allele origin: germline.
Comment: The APC c.4765C>G (p.R1589G) variant has been reported in heterozygosity in at least 2 individuals with thyroid cancer and/or multiple colorectal adenoma (PMID: 29684080, 22773231), however it was also reported in controls (PMID: 18199528). This variant was observed in 14/128838 chromosomes in the European (non-Finish) population, with no homozygotes, according to the Genome Aggregation Database (PMID: 32461654). This variant has been reported in ClinVar (Variation ID: 142201). Functional studies have not been performed, and in silico predictions of the variant's effect on protein function are inconclusive. There is no indication that this variant causes disease, but the evidence is insufficient currently to prove that conclusively. Thus, the clinical significance of this variant is currently uncertain.

Genetic Services Laboratory, University of Chicago
Classification: Uncertain significance. Last evaluated: 2020-04-16. Review status: criteria provided, single submitter. Criteria: ACMG Guidelines, 2015. Collection method: clinical testing. Allele origin: germline. Affected: no.
Comment: DNA sequence analysis of the APC gene demonstrated a sequence change, c.4765C>G, in exon 16 that results in an amino acid change, p.Arg1589Gly. This sequence change does not appear to have been previously described in patients with APC-related disorders and has been described in the gnomAD database with a low population frequency of 0.0067% (dbSNP rs72541813). The p.Arg1589Gly change affects a moderately conserved amino acid residue located in a domain of the APC protein that is known to be functional. In-silico pathogenicity prediction tools (SIFT, PolyPhen2, Align GVGD, REVEL) provide contradictory results for the p.Arg1589Gly substitution. Due to these contrasting evidences and the lack of functional studies, the clinical significance of the p.Arg1589Gly change remains unknown at this time.

Ambry Genetics
Classification: Likely benign for Hereditary cancer-predisposing syndrome. Last evaluated: 2019-03-20. Review status: criteria provided, single submitter. Criteria: Ambry Variant Classification Scheme 2023. Collection method: clinical testing. Allele origin: germline.

Illumina Laboratory Services, Illumina
Classification: Uncertain significance for APC-Associated Polyposis Disorders. Last evaluated: 2017-04-27. Review status: criteria provided, single submitter. Criteria: ICSL Variant Classification Criteria 13 December 2019. Collection method: clinical testing. Allele origin: germline.
Comment: This variant was observed as part of a predisposition screen in an ostensibly healthy population. A literature search was performed for the gene, cDNA change, and amino acid change (where applicable). Publications were found based on this search. However, the evidence from the literature, in combination with allele frequency data from public databases where available, was not sufficient to rule this variant in or out of causing disease. Therefore, this variant is classified as a variant of unknown significance.

Counsyl
Classification: Uncertain significance for Familial adenomatous polyposis 1. Last evaluated: 2016-10-26. Review status: no assertion criteria provided. Collection method: clinical testing. Allele origin: unknown. Not counted in ClinVar's aggregate classification.

Literature cited by the submitters: PubMed 18199528 (cited by 5 submitters); PubMed 22773231 (cited by 7 submitters); PubMed 29684080 (cited by 5 submitters); PubMed 30267214 (cited by 3 submitters); PubMed 27498913 (cited by 3 submitters); PubMed 36356413 (cited by Women's Health and Genetics/Laboratory Corporation of America, LabCorp); PubMed 27156442 (cited by Illumina Laboratory Services, Illumina).